The following is an entry in ClinVar:

ClinVar aggregate classification (germline): Uncertain significance (1 of 4 stars; one submission).

Conditions:
Myopathy, proximal, and ophthalmoplegia (CMYO6). Also called: MYOPATHY WITH CONGENITAL JOINT CONTRACTURES, OPHTHALMOPLEGIA, AND RIMMED VACUOLES; INCLUSION BODY MYOPATHY 3, AUTOSOMAL DOMINANT; CONGENITAL MYOPATHY 6 WITH OPHTHALMOPLEGIA. Identifiers: Orphanet 363677, Orphanet 79091, MedGen C1854106, MONDO:0011577, OMIM 605637.

Submission:

Labcorp Genetics (formerly Invitae), Labcorp
Classification: Uncertain significance for Myopathy, proximal, and ophthalmoplegia. Last evaluated: 2019-09-05. Review status: criteria provided, single submitter. Criteria: Invitae Variant Classification Sherloc (09022015). Collection method: clinical testing. Allele origin: germline.
Comment: This sequence change replaces arginine with lysine at codon 947 of the MYH2 protein (p.Arg947Lys). The arginine residue is highly conserved and there is a small physicochemical difference between arginine and lysine. This variant is not present in population databases (ExAC no frequency). This variant has not been reported in the literature in individuals with MYH2-related conditions. Algorithms developed to predict the effect of missense changes on protein structure and function (SIFT, PolyPhen-2, Align-GVGD) all suggest that this variant is likely to be disruptive, but these predictions have not been confirmed by published functional studies and their clinical significance is uncertain. In summary, the available evidence is currently insufficient to determine the role of this variant in disease. Therefore, it has been classified as a Variant of Uncertain Significance.

NM_017534.6(MYH2):c.2840G>A (p.Arg947Lys)

Genes: MYHAS (myosin heavy chain gene cluster antisense RNA; plus strand), MYH2 (myosin heavy chain 2; minus strand). Cytogenetic location: 17p13.1.
Variant type: single nucleotide variant.
Coding change: c.2840G>A on transcript NM_017534.6 (MANE Select); coding-DNA position 2840, G replaced by A.
Protein change: p.Arg947Lys; replaces arginine 947 with lysine.
Molecular consequence: missense variant.
Genome position (GRCh38, 1-based): chr17:10,529,932, C>T on the plus strand (G>A on the coding strand, the complement: MYH2 is on the minus strand). VCF-style: chr17-10529932-C-T. GRCh37 (hg19) VCF-style: chr17-10433249-C-T.
Other names: c.2840G>A, p.Arg947Lys (NM_001100112.2); short protein forms R947K.
Identifiers: ClinVar variation 940501 (VCV000940501.1), dbSNP rs762535527, ClinGen allele CA398142070.